The following is an entry in ClinVar:

NM_024422.6(DSC2):c.1521-14A>G

Gene: DSC2 (desmocollin 2; minus strand). Cytogenetic location: 18q12.1.
Variant type: single nucleotide variant.
Coding change: c.1521-14A>G on transcript NM_024422.6 (MANE Select); 14 bases into the intron before coding-DNA position 1521, A replaced by G.
Molecular consequence: intron variant.
Genome position (GRCh38, 1-based): chr18:31,080,003, T>C on the plus strand (A>G on the coding strand, the complement: DSC2 is on the minus strand). VCF-style: chr18-31080003-T-C. GRCh37 (hg19) VCF-style: chr18-28659969-T-C.
Other names: c.1521-14A>G (NM_004949.5); c.1092-14A>G (NM_001406506.1, NM_001406507.1).
Identifiers: ClinVar variation 2859694 (VCV002859694.5), dbSNP rs1287632202, ClinGen allele CA629453089.

ClinVar aggregate classification (germline): Likely benign. Review status: criteria provided, multiple submitters, no conflicts (2 of 4 stars). 3 submissions from 3 submitters: Likely benign (3). Last evaluated 2023-09-17.

Conditions:
Cardiomyopathy (CMYO). Also called: Cardiomyopathies. Identifiers: Orphanet 167848, MedGen C0878544, MONDO:0004994, HP:0001638. Inheritance: Various modes of inheritance.
Familial isolated arrhythmogenic right ventricular dysplasia. Identifiers: Orphanet 217656, MedGen C4274968, MONDO:0016342.
Arrhythmogenic right ventricular dysplasia 11. Also called: ARRHYTHMOGENIC RIGHT VENTRICULAR DYSPLASIA, FAMILIAL, 11; Arrhythmogenic Right Ventricular Dysplasia/Cardiomyopathy11; Arrhythmogenic right ventricular dysplasia 11 with mild palmoplantar keratoderma and woolly hair. Identifiers: MedGen C1864850, MONDO:0012506, OMIM 610476.

Allele frequency attached by ClinVar (database versions not stated): gnomAD exomes below 0.00001.
gnomAD v4.1: 6 of 1,612,168 alleles (0.00037%); highest among the groups gnomAD compares: South Asian, 0.0022%; no homozygotes.

Submissions (3):

All of Us Research Program, National Institutes of Health
Classification: Likely benign for Familial isolated arrhythmogenic right ventricular dysplasia. Last evaluated: 2023-09-17. Review status: criteria provided, single submitter. Criteria: ACMG Guidelines, 2015. Collection method: clinical testing. Allele origin: germline. Inheritance: Autosomal dominant inheritance. Observed: 1 variant allele, 1 heterozygote.
Comment: This study involves interpretation of variants in research participants for the purpose of population health screening. Participant phenotype was not available at the time of variant classification. Additional details can be found in publication PMID: 35346344, PMCID: PMC8962531

Color Diagnostics, LLC DBA Color Health
Classification: Likely benign for Cardiomyopathy. Last evaluated: 2023-09-08. Review status: criteria provided, single submitter. Criteria: ACMG Guidelines, 2015. Collection method: clinical testing. Allele origin: germline.

Labcorp Genetics (formerly Invitae), Labcorp
Classification: Likely benign for Arrhythmogenic right ventricular dysplasia 11. Last evaluated: 2023-02-02. Review status: criteria provided, single submitter. Criteria: Invitae Variant Classification Sherloc (09022015). Collection method: clinical testing. Allele origin: germline.